The following is an entry in ClinVar:

ClinVar aggregate classification (germline): Uncertain significance. Review status: criteria provided, multiple submitters, no conflicts (2 of 4 stars). 4 submissions from 4 submitters: Uncertain significance (3). 1 of the submissions does not count toward it. Last evaluated 2024-10-25.

Conditions:
Neu-Laxova syndrome 2. Identifiers: Orphanet 2671, Orphanet 583602, MedGen C4015019, MONDO:0014466, OMIM 616038.
PSAT1-related disorder. Also called: PSAT1-related condition; PSAT1-related disorders.
PSAT deficiency. Identifiers: Orphanet 284417, MedGen C1970253, MONDO:0012596, OMIM 610992.

Allele frequency attached by ClinVar (database versions not stated): gnomAD exomes below 0.00001 and 0.00001; ExAC 0.00001; gnomAD 0.00001; TOPMed 0.00002.
gnomAD v4.1: 7 of 1,613,820 alleles (0.00043%); highest among the groups gnomAD compares: Admixed American, 0.0017%; no homozygotes.

Submissions (4):

PreventionGenetics, part of Exact Sciences
Classification: Uncertain significance for PSAT1-related condition. Last evaluated: 2024-10-25. Review status: criteria provided, single submitter. Criteria: ACMG Guidelines, 2015. Collection method: clinical testing. Allele origin: germline.
Comment: The PSAT1 c.335C>T variant is predicted to result in the amino acid substitution p.Ala112Val. To our knowledge, this variant has not been reported in the literature in individuals with PSAT1-related disorders. This variant is reported in 0.00088% of alleles in individuals of European (Non-Finnish) descent in gnomAD. At this time, the clinical significance of this variant is uncertain due to the absence of conclusive functional and genetic evidence.

Labcorp Genetics (formerly Invitae), Labcorp
Classification: Uncertain significance for Neu-Laxova syndrome 2. Last evaluated: 2022-06-02. Review status: criteria provided, single submitter. Criteria: Invitae Variant Classification Sherloc (09022015). Collection method: clinical testing. Allele origin: germline.
Comment: This sequence change replaces alanine, which is neutral and non-polar, with valine, which is neutral and non-polar, at codon 112 of the PSAT1 protein (p.Ala112Val). This variant is present in population databases (rs778303528, gnomAD 0.0009%). This variant has not been reported in the literature in individuals affected with PSAT1-related conditions. ClinVar contains an entry for this variant (Variation ID: 913717). Algorithms developed to predict the effect of missense changes on protein structure and function are either unavailable or do not agree on the potential impact of this missense change (SIFT: "Tolerated"; PolyPhen-2: "Possibly Damaging"; Align-GVGD: "Class C0"). Experimental studies have shown that this missense change does not substantially affect PSAT1 function (PMID: 32077105). In summary, the available evidence is currently insufficient to determine the role of this variant in disease. Therefore, it has been classified as a Variant of Uncertain Significance.

Illumina Laboratory Services, Illumina
Classification: Uncertain significance for PSAT deficiency. Last evaluated: 2018-01-13. Review status: criteria provided, single submitter. Criteria: ICSL Variant Classification Criteria 13 December 2019. Collection method: clinical testing. Allele origin: germline.

Dudley Research Group, Pacific Northwest Research Institute
No classification provided. Review status: no classification provided. Collection method: research, in vivo. Allele origin: unknown, not applicable. Functional consequence: functionally_normal. Not counted in ClinVar's aggregate classification.

Literature cited by the submitters: PubMed 32077105 (cited by Labcorp Genetics (formerly Invitae), Labcorp).

NM_058179.4(PSAT1):c.335C>T (p.Ala112Val)

Gene: PSAT1 (phosphoserine aminotransferase 1; plus strand). Cytogenetic location: 9q21.2.
Variant type: single nucleotide variant.
Coding change: c.335C>T on transcript NM_058179.4 (MANE Select); coding-DNA position 335, C replaced by T.
Protein change: p.Ala112Val; replaces alanine 112 with valine.
Molecular consequence: missense variant.
Genome position (GRCh38, 1-based): chr9:78,304,878, C>T. VCF-style: chr9-78304878-C-T. GRCh37 (hg19) VCF-style: chr9-80919794-C-T.
Other names: c.335C>T, p.Ala112Val (NM_021154.5); short protein forms A112V.
Identifiers: ClinVar variation 913717 (VCV000913717.13), dbSNP rs778303528, ClinGen allele CA5095584.
Genomic context (GRCh38, chr9:78,304,878, plus strand): 5'-GCTTGAAAGCAGGAAGGTGTGCTGACTATGTGGTGACAGGAGCTTGGTCAGCTAAGGCCG[C>T]AGAAGAAGCCAAGAAGTTTGGGACTATAAATATCGTTCACCCTAAACTTGGGAGTTATAC-3'
Protein context (NP_478059.1, residues 102-122): VVTGAWSAKA[Ala112Val]EEAKKFGTIN